The following is an entry in ClinVar:

ClinVar aggregate classification (germline): Likely benign. Review status: criteria provided, single submitter (1 of 4 stars). 2 submissions from 2 submitters: Likely benign (1). 1 of the submissions does not count toward it. Last evaluated 2025-12-23.

Conditions:
PHKA2-related disorder. Also called: PHKA2-related condition.
Glycogen storage disease IXa1. Also called: Glycogen storage disease 8; LIVER GLYCOGENOSIS, X-LINKED, TYPE I; GLYCOGEN STORAGE DISEASE VIII; GSD VIII. Identifiers: Orphanet 264580, MedGen C3694531, MONDO:0010598, OMIM 306000.

Allele frequency attached by ClinVar (database versions not stated): gnomAD exomes 0.00008; ExAC 0.00021; gnomAD 0.00079; TOPMed 0.00103; ESP Exome Variant Server 0.00114.
gnomAD v4.1: 195 of 1,210,831 alleles (0.016%); highest among the groups gnomAD compares: African/African-American, 0.27%; 1 homozygote.

Submissions (2):

Labcorp Genetics (formerly Invitae), Labcorp
Classification: Likely benign for Glycogen storage disease IXa1. Last evaluated: 2025-12-23. Review status: criteria provided, single submitter. Criteria: Invitae Variant Classification Sherloc (09022015). Collection method: clinical testing. Allele origin: germline.

PreventionGenetics, part of Exact Sciences
Classification: Likely benign for PHKA2-related condition. Last evaluated: 2024-07-09. Review status: no assertion criteria provided. Collection method: clinical testing. Allele origin: germline. Not counted in ClinVar's aggregate classification.
Comment: This variant is classified as likely benign based on ACMG/AMP sequence variant interpretation guidelines (Richards et al. 2015 PMID: 25741868, with internal and published modifications).

NM_000292.3(PHKA2):c.2802C>G (p.Cys934Trp)

Gene: PHKA2 (phosphorylase kinase regulatory subunit alpha 2; minus strand). Cytogenetic location: Xp22.13.
Variant type: single nucleotide variant.
Coding change: c.2802C>G on transcript NM_000292.3 (MANE Select); coding-DNA position 2802, C replaced by G.
Protein change: p.Cys934Trp; replaces cysteine 934 with tryptophan.
Molecular consequence: missense variant.
Genome position (GRCh38, 1-based): chrX:18,906,499, G>C on the plus strand (C>G on the coding strand, the complement: PHKA2 is on the minus strand). VCF-style: chrX-18906499-G-C. GRCh37 (hg19) VCF-style: chrX-18924617-G-C.
Other names: c.2802C>G (NM_000292.2); short protein forms C934W.
Identifiers: ClinVar variation 2751778 (VCV002751778.5), dbSNP rs148945763, ClinGen allele CA10361552.
Genomic context (GRCh38, chrX:18,906,499, plus strand): 5'-GGCCGGGTGGTTGGGGTGGGGTGCGGCGGGAGCTGCAGGAGCTGCGGGCATCTCACCTGA[G>C]CAGTTCAGGCTCCGTGCCAGCTCCGTGGCCATCACCTGAATGATCAGTCCAATCCGGAGT-3'
Protein context (NP_000283.1, residues 924-944): MATELARSLN[Cys934Trp]SGEEASESLM